The following is an entry in ClinVar:

NM_000059.4(BRCA2):c.5985del (p.Asn1995fs)

Gene: BRCA2 (BRCA2 DNA repair associated; plus strand). Cytogenetic location: 13q13.1.
Variant type: Deletion.
Coding change: c.5985del on transcript NM_000059.4 (MANE Select); coding-DNA position 5985, one base deleted (C; older notation c.5985delC).
Protein change: p.Asn1995fs; shifts the reading frame from asparagine 1995.
Molecular consequence: frameshift variant.
Genome position (GRCh38, 1-based): chr13:32,340,340, C deleted. VCF-style (leftmost placement, unchanged base first): chr13-32340339-AC-A. GRCh37 (hg19) VCF-style: chr13-32914476-AC-A.
Other names: c.5985delC (NM_000059.3); short protein forms N1995fs.
Identifiers: ClinVar variation 1073562 (VCV001073562.12), dbSNP rs2137522955, ClinGen allele CA2499222219.
Genomic context (GRCh38, chr13:32,340,339, plus strand): 5'-GTGGGATTTTTAGCACAGCAAGTGGAAAATCTGTCCAGGTATCAGATGCTTCATTACAAA[AC>A]GCAAGACAAGTGTTTTCTGAAATAGAAGATAGTACCAAGCAAGTCTTTTCCAAAGTATTG-3'

ClinVar aggregate classification (germline): Pathogenic. Review status: criteria provided, multiple submitters, no conflicts (2 of 4 stars). 6 submissions from 6 submitters: Pathogenic (6). Last evaluated 2025-04-11.

Conditions:
Hereditary cancer-predisposing syndrome. Also called: Neoplastic Syndromes, Hereditary; Hereditary neoplastic syndrome; Tumor predisposition; Hereditary Cancer Syndrome. Identifiers: Orphanet 140162, MedGen C0027672, MeSH D009386, MONDO:0015356.
Hereditary breast ovarian cancer syndrome. Also called: Hereditary breast and ovarian cancer syndrome; Hereditary breast and ovarian cancer syndrome (HBOC); Hereditary breast and/or ovarian cancer syndrome; BRCA1- and BRCA2-Associated Hereditary Breast and Ovarian Cancer; Hereditary breast and ovarian cancer; Breast and ovarian cancer. Identifiers: Orphanet 145, MedGen C0677776, MeSH D061325, MONDO:0003582. Disease mechanism: loss of function.
Breast-ovarian cancer, familial, susceptibility to, 2 (BROVCA2). Also called: BRCA2 Hereditary Breast and Ovarian Cancer. Identifiers: Orphanet 145, MedGen C2675520, MONDO:0012933, OMIM 612555. Disease mechanism: loss of function.

Submissions (6):

Dasa
Classification: Pathogenic for Breast-ovarian cancer, familial, susceptibility to, 2. Last evaluated: 2025-04-11. Review status: criteria provided, single submitter. Criteria: DASA Assertion Criteria. Collection method: clinical testing. Allele origin: germline. Observed: 1 variant allele.
Comment: NM_000059.4(BRCA2):c.5985del (p.Asn1995Lysfs9) introduces a frameshift resulting in a premature termination codon. Loss-of-function is an established mechanism of disease for this gene. This variant has been reported in individuals with related cancer phenotypes and is present at low frequency in population datasets. Based on the available data, this variant is classified as Pathogenic.

Myriad Genetics, Inc.
Classification: Pathogenic for Breast-ovarian cancer, familial, susceptibility to, 2. Last evaluated: 2025-01-31. Review status: criteria provided, single submitter. Criteria: Myriad Autosomal Dominant, Autosomal Recessive and X-Linked Classification Criteria (2023). Collection method: clinical testing. Allele origin: unknown.
Comment: This variant is considered pathogenic. This variant creates a frameshift predicted to result in premature protein truncation.

All of Us Research Program, National Institutes of Health
Classification: Pathogenic for Breast-ovarian cancer, familial, susceptibility to, 2. Last evaluated: 2024-01-08. Review status: criteria provided, single submitter. Criteria: ACMG Guidelines, 2015. Collection method: clinical testing. Allele origin: germline. Inheritance: Autosomal dominant inheritance. Observed: 1 variant allele, 1 heterozygote.
Comment: This variant deletes 1 nucleotide in exon 11/27 of the BRCA2 gene, creating a frameshift and premature translation stop signal. This variant is expected to result in an absent or non-functional protein product. This variant has been reported in an individual with a personal or family history of BRCA2-related cancer (PMID: 36977404). This variant has not been identified in the general population by the Genome Aggregation Database (gnomAD). Loss of BRCA2 function is a known mechanism of disease. Based on the available evidence, this variant is classified as Pathogenic.

This study involves interpretation of variants in research participants for the purpose of population health screening. Participant phenotype was not available at the time of variant classification. Additional details can be found in publication PMID: 35346344, PMCID: PMC8962531

Color Diagnostics, LLC DBA Color Health
Classification: Pathogenic for Hereditary cancer-predisposing syndrome. Last evaluated: 2023-11-09. Review status: criteria provided, single submitter. Criteria: ACMG Guidelines, 2015. Collection method: clinical testing. Allele origin: germline.
Comment: This variant deletes 1 nucleotide in exon 11 of the BRCA2 gene, creating a frameshift and premature translation stop signal. This variant is expected to result in an absent or non-functional protein product. This variant has been reported in an individual with a personal or family history of BRCA2-related cancer (PMID: 36977404). This variant has not been identified in the general population by the Genome Aggregation Database (gnomAD). Loss of BRCA2 function is a known mechanism of disease. Based on the available evidence, this variant is classified as Pathogenic.

Ambry Genetics
Classification: Pathogenic for Hereditary cancer-predisposing syndrome. Last evaluated: 2023-10-20. Review status: criteria provided, single submitter. Criteria: Ambry Variant Classification Scheme 2023. Collection method: clinical testing. Allele origin: germline.
Comment: The c.5985delC pathogenic mutation, located in coding exon 10 of the BRCA2 gene, results from a deletion of one nucleotide at nucleotide position 5985, causing a translational frameshift with a predicted alternate stop codon (p.N1995Kfs*9). This alteration was reported in a cohort of Brazilian patients who underwent multigene panel testing due to a personal and/or family history of breast, ovarian, endometrial or other cancers (Carvalho CM et al. Rev Bras Ginecol Obstet, 2023 Feb;45:74-81). This variant is considered to be rare based on population cohorts in the Genome Aggregation Database (gnomAD). This alteration is expected to result in loss of function by premature protein truncation or nonsense-mediated mRNA decay. As such, this alteration is interpreted as a disease-causing mutation.

Labcorp Genetics (formerly Invitae), Labcorp
Classification: Pathogenic for Hereditary breast ovarian cancer syndrome. Last evaluated: 2021-08-09. Review status: criteria provided, single submitter. Criteria: Invitae Variant Classification Sherloc (09022015). Collection method: clinical testing. Allele origin: germline.
Comment: This sequence change creates a premature translational stop signal (p.Asn1995Lysfs*9) in the BRCA2 gene. It is expected to result in an absent or disrupted protein product. Loss-of-function variants in BRCA2 are known to be pathogenic (PMID: 20104584). This variant is not present in population databases (ExAC no frequency). For these reasons, this variant has been classified as Pathogenic. This variant has not been reported in the literature in individuals with BRCA2-related conditions. ClinVar contains an entry for this variant (Variation ID: 1073562).

Literature cited by the submitters: PubMed 36977404 (cited by 3 submitters); PubMed 20104584 (cited by Labcorp Genetics (formerly Invitae), Labcorp).